The following is an entry in ClinVar:

ClinVar aggregate classification (germline): Likely benign. Review status: criteria provided, multiple submitters, no conflicts (2 of 4 stars). 2 submissions from 2 submitters: Likely benign (2). Last evaluated 2024-01-11.

Conditions:
Galactosylceramide beta-galactosidase deficiency. Also called: Krabbe Disease; Leukodystrophy, Globoid Cell; GALACTOCEREBROSIDASE DEFICIENCY; GALC DEFICIENCY; GLOBOID CELL LEUKOENCEPHALOPATHY. Identifiers: Orphanet 487, MedGen C0023521, MONDO:0009499, OMIM 245200.

Allele frequency attached by ClinVar (database versions not stated): gnomAD exomes 0.00001; gnomAD 0.00003.
gnomAD v4.1: 9 of 1,607,944 alleles (0.00056%); highest among the groups gnomAD compares: African/African-American, 0.0081%; no homozygotes.

Submissions (2):

Labcorp Genetics (formerly Invitae), Labcorp
Classification: Likely benign for Galactosylceramide beta-galactosidase deficiency. Last evaluated: 2024-01-11. Review status: criteria provided, single submitter. Criteria: Invitae Variant Classification Sherloc (09022015). Collection method: clinical testing. Allele origin: germline.

CeGaT Center for Human Genetics Tuebingen
Classification: Likely benign. Last evaluated: 2022-05-01. Review status: criteria provided, single submitter. Criteria: CeGaT Center For Human Genetics Tuebingen Variant Classification Criteria Version 2. Collection method: clinical testing. Allele origin: germline. Affected: yes. Observed: 1 variant allele.
Comment: GALC: BP4, BP7

NM_000153.4(GALC):c.1791C>T (p.Phe597=)

Gene: GALC (galactosylceramidase; minus strand). Cytogenetic location: 14q31.3.
Variant type: single nucleotide variant.
Coding change: c.1791C>T on transcript NM_000153.4 (MANE Select); coding-DNA position 1791, C replaced by T.
Protein change: p.Phe597=; no amino-acid change (phenylalanine 597 retained).
Molecular consequence: synonymous variant.
Genome position (GRCh38, 1-based): chr14:87,941,438, G>A on the plus strand (C>T on the coding strand, the complement: GALC is on the minus strand). VCF-style: chr14-87941438-G-A. GRCh37 (hg19) VCF-style: chr14-88407782-G-A.
Other names: c.1722C>T, p.Phe574= (NM_001201401.2); c.1713C>T, p.Phe571= (NM_001201402.2).
Identifiers: ClinVar variation 1109198 (VCV001109198.33), dbSNP rs1002946173, ClinGen allele CA264679938.